The following is an entry in ClinVar:

ClinVar aggregate classification (germline): Uncertain significance (1 of 4 stars; one submission).

Submission:

Labcorp Genetics (formerly Invitae), Labcorp
Classification: Uncertain significance. Last evaluated: 2022-01-18. Review status: criteria provided, single submitter. Criteria: Invitae Variant Classification Sherloc (09022015). Collection method: clinical testing. Allele origin: germline.
Comment: In summary, the available evidence is currently insufficient to determine the role of this variant in disease. Therefore, it has been classified as a Variant of Uncertain Significance. Algorithms developed to predict the effect of missense changes on protein structure and function output the following: SIFT: "Tolerated"; PolyPhen-2: "Benign"; Align-GVGD: "Class C0". The glycine amino acid residue is found in multiple mammalian species, which suggests that this missense change does not adversely affect protein function. This variant has not been reported in the literature in individuals affected with NFE2L2-related conditions. This variant is not present in population databases (gnomAD no frequency). This sequence change replaces serine, which is neutral and polar, with glycine, which is neutral and non-polar, at codon 294 of the NFE2L2 protein (p.Ser294Gly).

NM_006164.5(NFE2L2):c.880A>G (p.Ser294Gly)

Gene: NFE2L2 (NFE2 like bZIP transcription factor 2; minus strand). Cytogenetic location: 2q31.2.
Variant type: single nucleotide variant.
Coding change: c.880A>G on transcript NM_006164.5 (MANE Select); coding-DNA position 880, A replaced by G.
Protein change: p.Ser294Gly; replaces serine 294 with glycine.
Molecular consequence: missense variant.
Genome position (GRCh38, 1-based): chr2:177,231,723, T>C on the plus strand (A>G on the coding strand, the complement: NFE2L2 is on the minus strand). VCF-style: chr2-177231723-T-C. GRCh37 (hg19) VCF-style: chr2-178096451-T-C.
Other names: c.832A>G, p.Ser278Gly (NM_001145412.3, NM_001313900.1, NM_001313901.1); c.811A>G, p.Ser271Gly (NM_001145413.3); c.790A>G, p.Ser264Gly (NM_001313902.2); c.661A>G, p.Ser221Gly (NM_001313903.2); c.580A>G, p.Ser194Gly (NM_001313904.1); short protein forms S194G, S271G, S278G, S264G, S221G, S294G.
Identifiers: ClinVar variation 2087623 (VCV002087623.4), dbSNP rs760419638, ClinGen allele CA349373360.
Genomic context (GRCh38, chr2:177,231,723, plus strand): 5'-TTAGAAGTTCAGAGAGTGAATGGCTTAAAGTAGCAGGTGAGGGCATGCTGTTGCTGATAC[T>C]GGGCTCAGCTATGAAAGCAGAATAAAATTCATCACCAAAATCTGTGTTGACTGTGGCATC-3'
Protein context (NP_006155.2, residues 284-304): EFYSAFIAEP[Ser294Gly]ISNSMPSPAT